The following is an entry in ClinVar:

NM_019616.4(F7):c.844G>A (p.Ala282Thr)

Gene: F7 (coagulation factor VII; plus strand). Cytogenetic location: 13q34.
Variant type: single nucleotide variant.
Coding change: c.844G>A on transcript NM_019616.4 (MANE Select); coding-DNA position 844, G replaced by A.
Protein change: p.Ala282Thr; replaces alanine 282 with threonine.
Molecular consequence: missense variant. On other transcripts: non-coding transcript variant (1).
Genome position (GRCh38, 1-based): chr13:113,118,517, G>A. VCF-style: chr13-113118517-G-A. GRCh37 (hg19) VCF-style: chr13-113772831-G-A.
Other names: c.910G>A, p.Ala304Thr (NM_000131.5); c.658G>A, p.Ala220Thr (NM_001267554.2); short protein forms A282T, A220T, A304T.
Identifiers: ClinVar variation 881851 (VCV000881851.7), dbSNP rs773627551, ClinGen allele CA7060163.

ClinVar aggregate classification (germline): Conflicting classifications of pathogenicity. Review status: criteria provided, conflicting classifications (1 of 4 stars). 4 submissions from 4 submitters: Likely pathogenic (2); Uncertain significance (2). Last evaluated 2025-09-12.

Conditions:
Factor VII deficiency. Also called: Factor 7 deficiency; F7 DEFICIENCY; HYPOPROCONVERTINEMIA. Identifiers: MedGen C0015503, MeSH D005168, MONDO:0002244.
Congenital factor VII deficiency. Identifiers: Orphanet 327, MedGen C0272320, MONDO:0009211, OMIM 227500.

Allele frequency attached by ClinVar (database versions not stated): ExAC 0.00001; gnomAD 0.00001; TOPMed 0.00002; gnomAD exomes 0.00001.

Submissions (4):

3billion
Classification: Likely pathogenic for Congenital factor VII deficiency. Last evaluated: 2025-09-12. Review status: criteria provided, single submitter. Criteria: ACMG Guidelines, 2015. Collection method: clinical testing. Allele origin: germline. Affected: yes.
Comment: The variant is observed at an extremely low frequency in the gnomAD v4.1.0 dataset (total allele frequency: <0.001%). Predicted Consequence/Location: Missense variant In silico tool predictions suggest damaging effect of the variant on gene or gene product [REVEL: 0.78 (>=0.6, sensitivity 0.68 and specificity 0.92); 3Cnet: 0.96 (> 0.75, sensitivity 0.96 and precision 0.92)]. The same nucleotide change resulting in the same amino acid change has been previously reported to be associated with F7-related disorder (ClinVar ID: VCV000881851 /PMID: 11129332).A different missense change at the same codon (p.Ala282Val) has been reported as pathogenic/likely pathogenic with strong evidence (ClinVar ID: VCV000627403 /PMID: 8883260). Therefore, this variant is classified as Likely pathogenic according to the recommendation of ACMG/AMP guideline.

GeneDx
Classification: Likely pathogenic. Last evaluated: 2025-01-21. Review status: criteria provided, single submitter. Criteria: GeneDx Variant Classification Process June 2021. Collection method: clinical testing. Allele origin: germline. Affected: yes.
Comment: Identified in individuals with Factor VII deficiency in the published literature, however, either a second F7 variant was not identified, or specific genotype information regarding a second F7 variant was not provided for affected individuals (PMID: 11129332, 34272389, 38202056); In silico analysis supports that this missense variant has a deleterious effect on protein structure/function; This variant is associated with the following publications: (PMID: 10554827, 32333443, 8883260, 38206717, 11129332, 34272389, 38202056, Ye2024[CaseReport], 37647632)

Neuberg Centre For Genomic Medicine, NCGM
Classification: Uncertain significance for Congenital factor VII deficiency. Last evaluated: 2023-02-14. Review status: criteria provided, single submitter. Criteria: ACMG Guidelines, 2015. Collection method: clinical testing. Allele origin: germline. Inheritance: Autosomal recessive inheritance. Affected: yes.
Comment: The missense c.844G>A (p.Ala282Thr) variant in F7 gene has not been reported previously as a pathogenic variant nor as a benign variant, to our knowledge. This variant is reported with the allele frequency (0.0008%) in the gnomAD Exomes and novel in 1000. This variant has been reported to the ClinVar database as Uncertain Significance. However, no details are available for independent assessment. The amino acid Alanine at position 282 is changed to a Threonine changing protein sequence and it might alter its composition and physico-chemical properties. The variant is predicted as damaging by SIFT. The residue is conserved by GERP++ and PhyloP across 100 vertebrates. For these reasons, this variant has been classified as Uncertain Significance.

Illumina Laboratory Services, Illumina
Classification: Uncertain significance for Congenital factor VII deficiency. Last evaluated: 2017-04-27. Review status: criteria provided, single submitter. Criteria: ICSL Variant Classification Criteria 13 December 2019. Collection method: clinical testing. Allele origin: germline.
Comment: This variant was observed as part of a predisposition screen in an ostensibly healthy population. A literature search was performed for the gene, cDNA change, and amino acid change (where applicable). Publications were found based on this search. However, the evidence from the literature, in combination with allele frequency data from public databases where available, was not sufficient to rule this variant in or out of causing disease. Therefore, this variant is classified as a variant of unknown significance.

Literature cited by the submitters: PubMed 8883260 (cited by 3billion); PubMed 11129332 (cited by 3billion and Illumina Laboratory Services, Illumina).